The following is an entry in ClinVar:

ClinVar aggregate classification (germline): Uncertain significance (1 of 4 stars; one submission).

Submission:

Labcorp Genetics (formerly Invitae), Labcorp
Classification: Uncertain significance. Last evaluated: 2023-12-30. Review status: criteria provided, single submitter. Criteria: Invitae Variant Classification Sherloc (09022015). Collection method: clinical testing. Allele origin: germline.
Comment: This sequence change replaces phenylalanine, which is neutral and non-polar, with tyrosine, which is neutral and polar, at codon 1673 of the POLE protein (p.Phe1673Tyr). This variant is not present in population databases (gnomAD no frequency). This variant has not been reported in the literature in individuals affected with POLE-related conditions. Advanced modeling of protein sequence and biophysical properties (such as structural, functional, and spatial information, amino acid conservation, physicochemical variation, residue mobility, and thermodynamic stability) performed at Invitae indicates that this missense variant is not expected to disrupt POLE protein function with a negative predictive value of 80%. In summary, the available evidence is currently insufficient to determine the role of this variant in disease. Therefore, it has been classified as a Variant of Uncertain Significance.

NM_006231.4(POLE):c.5018T>A (p.Phe1673Tyr)

Gene: POLE (DNA polymerase epsilon, catalytic subunit; minus strand). Cytogenetic location: 12q24.33.
Variant type: single nucleotide variant.
Coding change: c.5018T>A on transcript NM_006231.4 (MANE Select); coding-DNA position 5018, T replaced by A.
Protein change: p.Phe1673Tyr; replaces phenylalanine 1673 with tyrosine.
Molecular consequence: missense variant.
Genome position (GRCh38, 1-based): chr12:132,642,332, A>T on the plus strand (T>A on the coding strand, the complement: POLE is on the minus strand). VCF-style: chr12-132642332-A-T. GRCh37 (hg19) VCF-style: chr12-133218918-A-T.
Other names: short protein forms F1673Y.
Identifiers: ClinVar variation 2706579 (VCV002706579.3), dbSNP rs2541884306, ClinGen allele CA387377350.
Genomic context (GRCh38, chr12:132,642,332, plus strand): 5'-TCAGGGCGGGCTGTAGGGGACAGCCAGAGCAGGTGGTTGTGGCGCTGGAGGTGGCGGGCA[A>T]AGAAGAGGTCGGAGCCGAATGTGGAGATGTCCTCTGGTAGGTTCCCAATGGGAATGTGAA-3'
Protein context (NP_006222.2, residues 1663-1683): DISTFGSDLF[Phe1673Tyr]ARHLQRHNHL